The following is an entry in ClinVar:

NM_013447.4(ADGRE2):c.2464-10T>C

Gene: ADGRE2 (adhesion G protein-coupled receptor E2; minus strand). Cytogenetic location: 19p13.12.
Variant type: single nucleotide variant.
Coding change: c.2464-10T>C on transcript NM_013447.4 (MANE Select); 10 bases into the intron before coding-DNA position 2464, T replaced by C.
Molecular consequence: intron variant.
Genome position (GRCh38, 1-based): chr19:14,736,254, A>G on the plus strand (T>C on the coding strand, the complement: ADGRE2 is on the minus strand). VCF-style: chr19-14736254-A-G. GRCh37 (hg19) VCF-style: chr19-14847066-A-G.
Other names: c.2185-10T>C (NM_152917.2); c.2317-10T>C (NM_152916.2); c.2290-10T>C (NM_001271052.1).
Identifiers: ClinVar variation 3609694 (VCV003609694.2).

ClinVar aggregate classification (germline): Uncertain significance (1 of 4 stars; one submission).

gnomAD v4.1: 3 of 1,520,164 alleles (0.0002%); highest among the groups gnomAD compares: Non-Finnish European, 0.00027%; no homozygotes.

Submission:

Labcorp Genetics (formerly Invitae), Labcorp
Classification: Uncertain significance. Last evaluated: 2025-01-06. Review status: criteria provided, single submitter. Criteria: Invitae Variant Classification Sherloc (09022015). Collection method: clinical testing. Allele origin: germline.
Comment: This sequence change falls in intron 20 of the ADGRE2 gene. It does not directly change the encoded amino acid sequence of the ADGRE2 protein. This variant is not present in population databases (gnomAD no frequency). This variant has not been reported in the literature in individuals affected with ADGRE2-related conditions. Algorithms developed to predict the effect of sequence changes on RNA splicing suggest that this variant may disrupt the consensus splice site. In summary, the available evidence is currently insufficient to determine the role of this variant in disease. Therefore, it has been classified as a Variant of Uncertain Significance.